The following is an entry in ClinVar:

NM_017654.4(SAMD9):c.3103C>A (p.Leu1035Ile)

Gene: SAMD9 (sterile alpha motif domain containing 9; minus strand). Cytogenetic location: 7q21.2.
Variant type: single nucleotide variant.
Coding change: c.3103C>A on transcript NM_017654.4 (MANE Select); coding-DNA position 3103, C replaced by A.
Protein change: p.Leu1035Ile; replaces leucine 1035 with isoleucine.
Molecular consequence: missense variant.
Genome position (GRCh38, 1-based): chr7:93,102,995, G>T on the plus strand (C>A on the coding strand, the complement: SAMD9 is on the minus strand). VCF-style: chr7-93102995-G-T. GRCh37 (hg19) VCF-style: chr7-92732308-G-T.
Other names: c.3103C>A, p.Leu1035Ile (NM_001193307.2); short protein forms L1035I.
Identifiers: ClinVar variation 3792098 (VCV003792098.1).

ClinVar aggregate classification (germline): Uncertain significance (1 of 4 stars; one submission).

Conditions:
Inborn genetic diseases. Identifiers: MedGen C0950123, MeSH D030342.

Submission:

Ambry Genetics
Classification: Uncertain significance for Inborn genetic diseases. Last evaluated: 2025-02-16. Review status: criteria provided, single submitter. Criteria: Ambry Variant Classification Scheme 2023. Collection method: clinical testing. Allele origin: germline.
Comment: The p.L1035I variant (also known as c.3103C>A), located in coding exon 1 of the SAMD9 gene, results from a C to A substitution at nucleotide position 3103. The leucine at codon 1035 is replaced by isoleucine, an amino acid with highly similar properties. This amino acid position is conserved. In addition, this alteration is predicted to be tolerated by in silico analysis. Based on the available evidence, the clinical significance of this variant remains unclear.